The following is an entry in ClinVar:

ClinVar aggregate classification (germline): Uncertain significance (1 of 4 stars; one submission).

Conditions:
Aortic valve disease 3. Identifiers: MedGen C5193127, MONDO:0032783, OMIM 618496.

gnomAD v4.1: 2 of 1,587,484 alleles (0.00013%); no homozygotes.

Submission:

Juno Genomics, Hangzhou Juno Genomics, Inc
Classification: Uncertain significance for Aortic valve disease 3. Review status: criteria provided, single submitter. Criteria: ACMG Guidelines, 2015. Collection method: clinical testing. Allele origin: germline.
Comment: Absent from controls (or at extremely low frequency if recessive) in Genome Aggregation Database.;Multiple lines of computational evidence support a deleterious effect on the gene or gene product.

NM_019055.6(ROBO4):c.2199-32C>G

Gene: ROBO4 (roundabout guidance receptor 4; minus strand). Cytogenetic location: 11q24.2.
Variant type: single nucleotide variant.
Coding change: c.2199-32C>G on transcript NM_019055.6 (MANE Select); 32 bases into the intron before coding-DNA position 2199, C replaced by G.
Molecular consequence: intron variant.
Genome position (GRCh38, 1-based): chr11:124,887,245, G>C on the plus strand (C>G on the coding strand, the complement: ROBO4 is on the minus strand). VCF-style: chr11-124887245-G-C. GRCh37 (hg19) VCF-style: chr11-124757141-G-C.
Other names: c.1764-32C>G (NM_001301088.2); c.2198+113C>G (NM_001441183.1).
Identifiers: ClinVar variation 5007812 (VCV005007812.2).